The following is an entry in ClinVar:

ClinVar aggregate classification (germline): Pathogenic (1 of 4 stars; one submission).

Conditions:
Familial X-linked hypophosphatemic vitamin D refractory rickets (XLHRD). Also called: X-Linked Hypophosphatemia; HYPOPHOSPHATEMIC VITAMIN D-RESISTANT RICKETS; Hypophosphatemic Rickets, X-Linked Dominant; Hypophosphatemia, vitamin D-resistant rickets; Vitamin D-resistant rickets, X-linked. Identifiers: Orphanet 89936, MedGen C0733682, MONDO:0010619, OMIM 307800.

Submission:

Department of Clinical Biochemistry, University General Hospital Attikon, Medical School, National & Kapodistrian University of Athens
Classification: Pathogenic for Familial X-linked hypophosphatemic vitamin D refractory rickets. Last evaluated: 2024-04-25. Review status: criteria provided, single submitter. Criteria: ACMG Guidelines, 2015. Collection method: clinical testing. Allele origin: germline. Affected: yes. Observed: 3 variant alleles.
Comment: The genetic variation c.2051_2061dup in exon 20 of the PHEX gene has not been described in the literature in patients with with X-linked hypophosphatemic rickets (XLD; #307800). However, it is predicted to produce a shorter protein in length, and a different genetic change at the same genomic region (p.Tyr688Glufs*30) has been described in a XLD patient (PMID:34806794)

NM_000444.6(PHEX):c.2052_2062dup (p.Tyr688delinsSerSerTer)

Genes: PHEX (phosphate regulating endopeptidase X-linked; plus strand), PTCHD1-AS (PTCHD1 and PHEX antisense RNA; minus strand). Cytogenetic location: Xp22.11.
Variant type: Duplication.
Coding change: c.2052_2062dup on transcript NM_000444.6 (MANE Select); coding-DNA positions 2052 to 2062, 11 bases duplicated (CTTCCTGAGTT).
Protein change: p.Tyr688delinsSerSerTer.
Molecular consequence: nonsense. On other transcripts: non-coding transcript variant (1).
Genome position (GRCh38, 1-based): chrX:22,227,593-22,227,603, CTTCCTGAGTT duplicated; duplicating any 11 consecutive bases within chrX:22,227,591-22,227,603 gives the same sequence; the c. name uses the placement nearest the transcript's 3' end. VCF-style (leftmost placement, unchanged base first): chrX-22227590-C-CTTCTTCCTGAG. GRCh37 (hg19) VCF-style: chrX-22245707-C-CTTCTTCCTGAG.
Other names: c.2051_2061dup (NM_000444.6); c.2052_2062dup, p.Tyr688delinsSerSerTer (NM_001282754.2).
Identifiers: ClinVar variation 3544427 (VCV003544427.1).
Genomic context (GRCh38, chrX:22,227,590, plus strand): 5'-CAGAAGGCAGGGACTTGAGGAGCCTCTTCTACCAGGCATCACATTCACCAACAACCAGCT[C>CTTCTTCCTGAG]TTCTTCCTGAGTTATGCTCATGTGAGTAGACTGAGGAAGGGGCATCAGGGATGAGATGCA-3'